The following is an entry in ClinVar:

ClinVar aggregate classification (germline): Likely benign (1 of 4 stars; one submission).

Submission:

Women's Health and Genetics/Laboratory Corporation of America, LabCorp
Classification: Likely benign. Last evaluated: 2025-03-25. Review status: criteria provided, single submitter. Criteria: LabCorp Variant Classification Summary - May 2015. Collection method: clinical testing. Allele origin: germline.
Comment: Variant summary: B3GALT6 c.423C>G alters a conserved nucleotide resulting in a synonymous change. Consensus agreement among computation tools predict no significant impact on normal splicing. However, these predictions have yet to be confirmed by functional studies. The variant allele was found at a frequency of 2.2e-05 in 137708 control chromosomes. The available data on variant occurrences in the general population are insufficient to allow any conclusion about variant significance. To our knowledge, no occurrence of c.423C>G in individuals affected with Spondyloepimetaphyseal dysplasia with joint laxity, type 1, with or without fractures and no experimental evidence demonstrating its impact on protein function have been reported. No submitters have cited clinical-significance assessments for this variant to ClinVar. Based on the evidence outlined above, the variant was classified as likely benign.

NM_080605.4(B3GALT6):c.423C>G (p.Ala141=)

Gene: B3GALT6 (beta-1,3-galactosyltransferase 6; plus strand). Cytogenetic location: 1p36.33.
Variant type: single nucleotide variant.
Coding change: c.423C>G on transcript NM_080605.4 (MANE Select); coding-DNA position 423, C replaced by G.
Protein change: p.Ala141=; no amino-acid change (alanine 141 retained).
Molecular consequence: synonymous variant.
Genome position (GRCh38, 1-based): chr1:1,232,701, C>G. VCF-style: chr1-1232701-C-G. GRCh37 (hg19) VCF-style: chr1-1168081-C-G.
Identifiers: ClinVar variation 3895961 (VCV003895961.1).